The following is an entry in ClinVar:

NM_001099922.3(ALG13):c.2801C>T (p.Pro934Leu)

Gene: ALG13 (ALG13 UDP-N-acetylglucosaminyltransferase subunit; plus strand). Cytogenetic location: Xq23.
Variant type: single nucleotide variant.
Coding change: c.2801C>T on transcript NM_001099922.3 (MANE Select); coding-DNA position 2801, C replaced by T.
Protein change: p.Pro934Leu; replaces proline 934 with leucine.
Molecular consequence: missense variant. On other transcripts: intron variant (5).
Genome position (GRCh38, 1-based): chrX:111,744,773, C>T. VCF-style: chrX-111744773-C-T. GRCh37 (hg19) VCF-style: chrX-110988001-C-T.
Other names: c.2567C>T, p.Pro856Leu (NM_001257231.2); c.2383+7894C>T (NM_001257237.2, NM_001257234.2, NM_001257230.2); c.2209+7894C>T (NM_001324293.1); c.2695+7894C>T (NM_001324292.2); short protein forms P856L, P934L.
Identifiers: ClinVar variation 1445911 (VCV001445911.3), dbSNP rs2148405253, ClinGen allele CA414291544.

ClinVar aggregate classification (germline): Uncertain significance (1 of 4 stars; one submission).

Conditions:
Developmental and epileptic encephalopathy, 36 (DEE36). Also called: Congenital disorder of glycosylation, type Is; Epileptic encephalopathy, early infantile, 36; ALG13-CDG. Identifiers: Orphanet 324422, MedGen C4317295, MONDO:0010472, OMIM 300884.

gnomAD v4.1: 2 of 1,054,289 alleles (0.00019%); highest among the groups gnomAD compares: South Asian, 0.0024%; no homozygotes.

Submission:

Labcorp Genetics (formerly Invitae), Labcorp
Classification: Uncertain significance for Developmental and epileptic encephalopathy, 36. Last evaluated: 2022-08-16. Review status: criteria provided, single submitter. Criteria: Invitae Variant Classification Sherloc (09022015). Collection method: clinical testing. Allele origin: germline.
Comment: This sequence change replaces proline, which is neutral and non-polar, with leucine, which is neutral and non-polar, at codon 934 of the ALG13 protein (p.Pro934Leu). This variant is not present in population databases (gnomAD no frequency). This variant has not been reported in the literature in individuals affected with ALG13-related conditions. ClinVar contains an entry for this variant (Variation ID: 1445911). Algorithms developed to predict the effect of missense changes on protein structure and function (SIFT, PolyPhen-2, Align-GVGD) all suggest that this variant is likely to be tolerated. In summary, the available evidence is currently insufficient to determine the role of this variant in disease. Therefore, it has been classified as a Variant of Uncertain Significance.